The following is an entry in ClinVar:

NM_199242.3(UNC13D):c.1777A>G (p.Ile593Val)

Gene: UNC13D (unc-13 homolog D; minus strand). Cytogenetic location: 17q25.1.
Variant type: single nucleotide variant.
Coding change: c.1777A>G on transcript NM_199242.3 (MANE Select); coding-DNA position 1777, A replaced by G.
Protein change: p.Ile593Val; replaces isoleucine 593 with valine.
Molecular consequence: missense variant.
Genome position (GRCh38, 1-based): chr17:75,835,480, T>C on the plus strand (A>G on the coding strand, the complement: UNC13D is on the minus strand). VCF-style: chr17-75835480-T-C. GRCh37 (hg19) VCF-style: chr17-73831561-T-C.
Other names: short protein forms I593V.
Identifiers: ClinVar variation 1467198 (VCV001467198.3), dbSNP rs776985159, ClinGen allele CA8772812.

ClinVar aggregate classification (germline): Uncertain significance (1 of 4 stars; one submission).

Conditions:
Familial hemophagocytic lymphohistiocytosis 3 (FHL3). Also called: UNC13D-Related Familial Hemophagocytic Lymphohistiocytosis (UNC13D-fHLH). Identifiers: Orphanet 540, MedGen C1837174, MONDO:0012146, OMIM 608898.

Allele frequency attached by ClinVar (database versions not stated): gnomAD exomes below 0.00001; TOPMed below 0.00001; gnomAD 0.00001 and 0.00002.
gnomAD v4.1: 7 of 1,612,176 alleles (0.00043%); highest among the groups gnomAD compares: South Asian, 0.0011%; no homozygotes.

Submission:

Labcorp Genetics (formerly Invitae), Labcorp
Classification: Uncertain significance for Familial hemophagocytic lymphohistiocytosis 3. Last evaluated: 2022-08-16. Review status: criteria provided, single submitter. Criteria: Invitae Variant Classification Sherloc (09022015). Collection method: clinical testing. Allele origin: germline.
Comment: This sequence change replaces isoleucine, which is neutral and non-polar, with valine, which is neutral and non-polar, at codon 593 of the UNC13D protein (p.Ile593Val). This variant is present in population databases (rs776985159, gnomAD 0.003%). This variant has not been reported in the literature in individuals affected with UNC13D-related conditions. ClinVar contains an entry for this variant (Variation ID: 1467198). Algorithms developed to predict the effect of missense changes on protein structure and function output the following: SIFT: "Not Available"; PolyPhen-2: "Benign"; Align-GVGD: "Not Available". The valine amino acid residue is found in multiple mammalian species, which suggests that this missense change does not adversely affect protein function. In summary, the available evidence is currently insufficient to determine the role of this variant in disease. Therefore, it has been classified as a Variant of Uncertain Significance.